The following is an entry in ClinVar:

ClinVar aggregate classification (germline): Uncertain significance (1 of 4 stars; one submission).

Conditions:
Acrocallosal syndrome (ACLS). Also called: HALLUX DUPLICATION, POSTAXIAL POLYDACTYLY, AND ABSENCE OF CORPUS CALLOSUM; Schinzel syndrome 1; Absence of corpus callosum with unusual facial appearance, mental deficiency, duplication of the halluces and polydactyly. Identifiers: Orphanet 36, MedGen C0796147, MONDO:0008708, OMIM 200990.

gnomAD v4.1: 4 of 1,605,858 alleles (0.00025%); highest among the groups gnomAD compares: East Asian, 0.0089%; no homozygotes.

Submission:

Labcorp Genetics (formerly Invitae), Labcorp
Classification: Uncertain significance for Acrocallosal syndrome. Last evaluated: 2020-12-22. Review status: criteria provided, single submitter. Criteria: Invitae Variant Classification Sherloc (09022015). Collection method: clinical testing. Allele origin: germline.
Comment: This sequence change replaces glutamic acid with glutamine at codon 1161 of the KIF7 protein (p.Glu1161Gln). The glutamic acid residue is highly conserved and there is a small physicochemical difference between glutamic acid and glutamine. This variant is not present in population databases (ExAC no frequency). This variant has not been reported in the literature in individuals with KIF7-related conditions. Algorithms developed to predict the effect of missense changes on protein structure and function (SIFT, PolyPhen-2, Align-GVGD) all suggest that this variant is likely to be disruptive, but these predictions have not been confirmed by published functional studies and their clinical significance is uncertain. In summary, the available evidence is currently insufficient to determine the role of this variant in disease. Therefore, it has been classified as a Variant of Uncertain Significance.

NM_198525.3(KIF7):c.3481G>C (p.Glu1161Gln)

Genes: KIF7 (kinesin family member 7; minus strand), LOC126862216 (BRD4-independent group 4 enhancer GRCh37_chr15:90171995-90173194; plus strand). Cytogenetic location: 15q26.1.
Variant type: single nucleotide variant.
Coding change: c.3481G>C on transcript NM_198525.3 (MANE Select); coding-DNA position 3481, G replaced by C.
Protein change: p.Glu1161Gln; replaces glutamic acid 1161 with glutamine.
Molecular consequence: missense variant.
Genome position (GRCh38, 1-based): chr15:89,629,411, C>G on the plus strand (G>C on the coding strand, the complement: KIF7 is on the minus strand). VCF-style: chr15-89629411-C-G. GRCh37 (hg19) VCF-style: chr15-90172642-C-G.
Other names: short protein forms E1161Q.
Identifiers: ClinVar variation 1399060 (VCV001399060.8), dbSNP rs567337105, ClinGen allele CA393754716.